The following is an entry in ClinVar:

ClinVar aggregate classification (germline): Likely benign. Review status: criteria provided, multiple submitters, no conflicts (2 of 4 stars). 4 submissions from 4 submitters: Likely benign (3). 1 of the submissions does not count toward it. Last evaluated 2026-08-01.

Conditions:
CREBBP-related disorder. Also called: CREBBP-related disorders; CREBBP-related condition.
Rubinstein-Taybi syndrome (RSTS). Identifiers: Orphanet 783, MedGen C0035934, MONDO:0019188.

Allele frequency attached by ClinVar (database versions not stated): gnomAD exomes 0.00001 and 0.00002; ExAC 0.00002; TOPMed 0.00005.
gnomAD v4.1: 18 of 1,614,184 alleles (0.0011%); highest among the groups gnomAD compares: Admixed American, 0.0033%; no homozygotes.

Submissions (4):

CeGaT Center for Human Genetics Tuebingen
Classification: Likely benign. Last evaluated: 2026-08-01. Review status: criteria provided, single submitter. Criteria: CeGaT Center For Human Genetics Tuebingen Variant Classification Criteria Version 2. Collection method: clinical testing. Allele origin: germline. Affected: yes. Observed: 1 variant allele.
Comment: CREBBP: BP4, BP7

Labcorp Genetics (formerly Invitae), Labcorp
Classification: Likely benign for Rubinstein-Taybi syndrome. Last evaluated: 2025-06-23. Review status: criteria provided, single submitter. Criteria: Invitae Variant Classification Sherloc (09022015). Collection method: clinical testing. Allele origin: germline.

Blueprint Genetics
Classification: Likely benign. Last evaluated: 2023-07-06. Review status: criteria provided, single submitter. Criteria: ACMG Guidelines, 2015. Collection method: clinical testing. Allele origin: germline.

PreventionGenetics, part of Exact Sciences
Classification: Likely benign for CREBBP-related condition. Last evaluated: 2021-06-02. Review status: no assertion criteria provided. Collection method: clinical testing. Allele origin: germline. Not counted in ClinVar's aggregate classification.
Comment: This variant is classified as likely benign based on ACMG/AMP sequence variant interpretation guidelines (Richards et al. 2015 PMID: 25741868, with internal and published modifications).

NM_004380.3(CREBBP):c.2193C>T (p.Asn731=)

Gene: CREBBP (CREB binding lysine acetyltransferase; minus strand). Cytogenetic location: 16p13.3.
Variant type: single nucleotide variant.
Coding change: c.2193C>T on transcript NM_004380.3 (MANE Select); coding-DNA position 2193, C replaced by T.
Protein change: p.Asn731=; no amino-acid change (asparagine 731 retained).
Molecular consequence: synonymous variant.
Genome position (GRCh38, 1-based): chr16:3,774,659, G>A on the plus strand (C>T on the coding strand, the complement: CREBBP is on the minus strand). VCF-style: chr16-3774659-G-A. GRCh37 (hg19) VCF-style: chr16-3824660-G-A.
Other names: c.2079C>T, p.Asn693= (NM_001079846.1).
Identifiers: ClinVar variation 527966 (VCV000527966.14), dbSNP rs746813014, ClinGen allele CA7870214.